The following is an entry in ClinVar:

NM_001003800.2(BICD2):c.1985G>T (p.Gly662Val)

Gene: BICD2 (BICD cargo adaptor 2; minus strand). Cytogenetic location: 9q22.31.
Variant type: single nucleotide variant.
Coding change: c.1985G>T on transcript NM_001003800.2 (MANE Select); coding-DNA position 1985, G replaced by T.
Protein change: p.Gly662Val; replaces glycine 662 with valine.
Molecular consequence: missense variant.
Genome position (GRCh38, 1-based): chr9:92,718,660, C>A on the plus strand (G>T on the coding strand, the complement: BICD2 is on the minus strand). VCF-style: chr9-92718660-C-A. GRCh37 (hg19) VCF-style: chr9-95480942-C-A.
Other names: c.1985G>T, p.Gly662Val (NM_015250.4); short protein forms G662V.
Identifiers: ClinVar variation 4762609 (VCV004762609.1).

ClinVar aggregate classification (germline): Uncertain significance (1 of 4 stars; one submission).

Conditions:
Autosomal dominant childhood-onset proximal spinal muscular atrophy with contractures (SMALED2A). Also called: Spinal muscular atrophy, lower extremity-predominant, 2A, autosomal dominant; SPINAL MUSCULAR ATROPHY, LOWER EXTREMITY-PREDOMINANT, 2A, CHILDHOOD ONSET, AUTOSOMAL DOMINANT. Identifiers: Orphanet 363447, Orphanet 363454, MedGen C4747715, MONDO:0014121, OMIM 615290.

Submission:

Labcorp Genetics (formerly Invitae), Labcorp
Classification: Uncertain significance for Autosomal dominant childhood-onset proximal spinal muscular atrophy with contractures. Last evaluated: 2025-09-02. Review status: criteria provided, single submitter. Criteria: Invitae Variant Classification Sherloc (09022015). Collection method: clinical testing. Allele origin: germline.
Comment: This sequence change replaces glycine, which is neutral and non-polar, with valine, which is neutral and non-polar, at codon 662 of the BICD2 protein (p.Gly662Val). This variant is present in population databases (no rsID available, gnomAD 0.0009%). This variant has not been reported in the literature in individuals affected with BICD2-related conditions. Invitae Evidence Modeling of protein sequence and biophysical properties (such as structural, functional, and spatial information, amino acid conservation, physicochemical variation, residue mobility, and thermodynamic stability) indicates that this missense variant is not expected to disrupt BICD2 protein function with a negative predictive value of 80%. In summary, the available evidence is currently insufficient to determine the role of this variant in disease. Therefore, it has been classified as a Variant of Uncertain Significance.